The following is an entry in ClinVar:

NM_001323342.2(AHCTF1):c.5765A>G (p.Asp1922Gly)

Gene: AHCTF1 (AT-hook containing transcription factor 1; minus strand). Cytogenetic location: 1q44.
Variant type: single nucleotide variant.
Coding change: c.5765A>G on transcript NM_001323342.2 (MANE Select); coding-DNA position 5765, A replaced by G.
Protein change: p.Asp1922Gly; replaces aspartic acid 1922 with glycine.
Molecular consequence: missense variant. On other transcripts: non-coding transcript variant (1).
Genome position (GRCh38, 1-based): chr1:246,850,241, T>C on the plus strand (A>G on the coding strand, the complement: AHCTF1 is on the minus strand). VCF-style: chr1-246850241-T-C. GRCh37 (hg19) VCF-style: chr1-247013543-T-C.
Other names: NC_000001.10:g.247013543T>C; c.5765A>G, p.Asp1922Gly (NM_001323343.2); c.5870A>G, p.Asp1957Gly (NM_001410950.1); c.5792A>G, p.Asp1931Gly (NM_015446.5); short protein forms D1922G, D1931G, D1957G.
Identifiers: ClinVar variation 2640237 (VCV002640237.25), dbSNP rs142603415, ClinGen allele CA1491185.
Genomic context (GRCh38, chr1:246,850,241, plus strand): 5'-TCTCTCCCTCTGACCCTTCTAACATGTTTAATACGCAGCTGCTTGTCACTGGATTTATCA[T>C]CTTGCTTATTTCCTGTATTTTCAGAAGCATCTAAATTAGTACTTCTCAATTTTCTGATCA-3'
Protein context (NP_001310271.1, residues 1912-1932): DASENTGNKQ[Asp1922Gly]DKSSDKQLRI

ClinVar aggregate classification (germline): Likely benign (1 of 4 stars; one submission).

Allele frequency attached by ClinVar (database versions not stated): 1000 Genomes Project 0.00080; 1000 Genomes Project 30x 0.00094; gnomAD 0.00299; TOPMed 0.00302; ESP Exome Variant Server 0.00315; ExAC 0.00333; gnomAD exomes 0.00440.
gnomAD v4.1: 6,911 of 1,613,970 alleles (0.43%); highest among the groups gnomAD compares: Middle Eastern, 1.2%; 25 homozygotes.

Submissions (8):

CeGaT Center for Human Genetics Tuebingen
Classification: Likely benign. Last evaluated: 2023-01-01. Review status: criteria provided, single submitter. Criteria: CeGaT Center For Human Genetics Tuebingen Variant Classification Criteria Version 2. Collection method: clinical testing. Allele origin: germline. Affected: yes. Observed: 1 variant allele.
Comment: AHCTF1: BP4, BS2

Dr. Peter K. Rogan Lab, Western University
No classification provided (evidence only). Condition: Acute myeloid leukemia. Review status: no classification provided. Collection method: in vitro. Allele origin: not applicable. Functional consequence: retained intron. Not counted in ClinVar's aggregate classification.

Dr. Peter K. Rogan Lab, Western University
No classification provided (evidence only). Condition: Uterine corpus endometrial carcinoma. Review status: no classification provided. Collection method: in vitro. Allele origin: not applicable. Functional consequence: retained intron. Not counted in ClinVar's aggregate classification.

Dr. Peter K. Rogan Lab, Western University
No classification provided (evidence only). Condition: Thymoma. Review status: no classification provided. Collection method: in vitro. Allele origin: not applicable. Functional consequence: retained intron. Not counted in ClinVar's aggregate classification.

Dr. Peter K. Rogan Lab, Western University
No classification provided (evidence only). Condition: Ovarian serous cystadenocarcinoma. Review status: no classification provided. Collection method: in vitro. Allele origin: not applicable. Functional consequence: retained intron. Not counted in ClinVar's aggregate classification.

Dr. Peter K. Rogan Lab, Western University
No classification provided (evidence only). Condition: Gastric cancer. Review status: no classification provided. Collection method: in vitro. Allele origin: not applicable. Functional consequence: retained intron. Not counted in ClinVar's aggregate classification.

Dr. Peter K. Rogan Lab, Western University
No classification provided (evidence only). Condition: Adrenocortical carcinoma, hereditary. Review status: no classification provided. Collection method: in vitro. Allele origin: not applicable. Functional consequence: retained intron. Not counted in ClinVar's aggregate classification.

Dr. Peter K. Rogan Lab, Western University
No classification provided (evidence only). Condition: Nonpapillary renal cell carcinoma. Review status: no classification provided. Collection method: in vitro. Allele origin: not applicable. Functional consequence: retained intron. Not counted in ClinVar's aggregate classification.